The following is an entry in ClinVar:

NM_001164508.2(NEB):c.255C>T (p.Tyr85=)

Gene: NEB (nebulin; minus strand). Cytogenetic location: 2q23.3.
Variant type: single nucleotide variant.
Coding change: c.255C>T on transcript NM_001164508.2 (MANE Select); coding-DNA position 255, C replaced by T.
Protein change: p.Tyr85=; no amino-acid change (tyrosine 85 retained).
Molecular consequence: synonymous variant.
Genome position (GRCh38, 1-based): chr2:151,727,730, G>A on the plus strand (C>T on the coding strand, the complement: NEB is on the minus strand). VCF-style: chr2-151727730-G-A. GRCh37 (hg19) VCF-style: chr2-152584244-G-A.
Other names: c.255C>T, p.Tyr85= (NM_001164507.2, NM_001271208.2, NM_004543.5).
Identifiers: ClinVar variation 1097688 (VCV001097688.9), dbSNP rs375749306, ClinGen allele CA1911966.

ClinVar aggregate classification (germline): Likely benign. Review status: criteria provided, multiple submitters, no conflicts (2 of 4 stars). 2 submissions from 2 submitters: Likely benign (2). Last evaluated 2025-12-29.

Conditions:
Nemaline myopathy 2 (NEM2). Also called: Nemaline myopathy 2, autosomal recessive. Identifiers: MedGen C1850569, MONDO:0009725, OMIM 256030.

Allele frequency attached by ClinVar (database versions not stated): TOPMed 0.00003; gnomAD 0.00004 and 0.00005; gnomAD exomes 0.00004 and 0.00007; ExAC 0.00009; ESP Exome Variant Server 0.00017.
gnomAD v4.1: 62 of 1,613,536 alleles (0.0038%); highest among the groups gnomAD compares: South Asian, 0.032%; no homozygotes.

Submissions (2):

Labcorp Genetics (formerly Invitae), Labcorp
Classification: Likely benign for Nemaline myopathy 2. Last evaluated: 2025-12-29. Review status: criteria provided, single submitter. Criteria: Invitae Variant Classification Sherloc (09022015). Collection method: clinical testing. Allele origin: germline.

Women's Health and Genetics/Laboratory Corporation of America, LabCorp
Classification: Likely benign. Last evaluated: 2022-06-16. Review status: criteria provided, single submitter. Criteria: LabCorp Variant Classification Summary - May 2015. Collection method: clinical testing. Allele origin: germline.
Comment: Variant summary: NEB c.255C>T alters a conserved nucleotide resulting in a synonymous change. 4/4 computational tools predict no significant impact on normal splicing. However, these predictions have yet to be confirmed by functional studies. The variant allele was found at a frequency of 6.8e-05 in 248750 control chromosomes, predominantly at a frequency of 0.00039 within the South Asian subpopulation in the gnomAD database. This frequency is not higher than expected for a pathogenic variant in NEB causing Nemaline Myopathy 2 (0.00039 vs 0.0035), allowing no conclusion about variant significance. To our knowledge, no occurrence of c.255C>T in individuals affected with Nemaline Myopathy 2 and no experimental evidence demonstrating its impact on protein function have been reported. A ClinVar submitter (evaluation after 2014) cites the variant as likely benign. Based on the evidence outlined above, the variant was classified as likely benign.